The following is an entry in ClinVar:

NM_001384140.1(PCDH15):c.3521G>A (p.Gly1174Asp)

Gene: PCDH15 (protocadherin related 15; minus strand). Cytogenetic location: 10q21.1.
Variant type: single nucleotide variant.
Coding change: c.3521G>A on transcript NM_001384140.1 (MANE Select); coding-DNA position 3521, G replaced by A.
Protein change: p.Gly1174Asp; replaces glycine 1174 with aspartic acid.
Molecular consequence: missense variant.
Genome position (GRCh38, 1-based): chr10:53,866,838, C>T on the plus strand (G>A on the coding strand, the complement: PCDH15 is on the minus strand). VCF-style: chr10-53866838-C-T. GRCh37 (hg19) VCF-style: chr10-55626598-C-T.
Other names: c.3536G>A, p.Gly1179Asp (NM_001142763.2, NM_001142771.2); c.3521G>A, p.Gly1174Asp (NM_001142764.2, NM_001142766.2, NM_001142770.3 and 4 more transcripts); c.3308G>A, p.Gly1103Asp (NM_001142765.2); c.3410G>A, p.Gly1137Asp (NM_001142767.2); c.3455G>A, p.Gly1152Asp (NM_001142768.2, NM_001142773.2, NM_001354404.2); c.3557G>A, p.Gly1186Asp (NM_001142769.4); c.3542G>A, p.Gly1181Asp (NM_001354411.2); short protein forms G1174D, G1103D, G1179D, G1181D, G1186D, G1137D, G1152D.
Identifiers: ClinVar variation 504665 (VCV000504665.13), dbSNP rs150387187, ClinGen allele CA5505619.
Genomic context (GRCh38, chr10:53,866,838, plus strand): 5'-CCTTCTTTTCCCTCTTTAATTGGTGGTATTATGAGTCTGTAGGCCATGACACTATAATTG[C>T]CAGTATCTTTATCAGTAGCCTAGACGGAGGGGAAAAAAAAAGAGATTATAATTAAGCAGG-3'
Protein context (NP_001371069.1, residues 1164-1184): LRVKATDKDT[Gly1174Asp]NYSVMAYRLI

ClinVar aggregate classification (germline): Uncertain significance. Review status: criteria provided, multiple submitters, no conflicts (2 of 4 stars). 6 submissions from 6 submitters: Uncertain significance (5). 1 of the submissions does not count toward it. Last evaluated 2024-10-15.

Conditions:
Inborn genetic diseases. Identifiers: MedGen C0950123, MeSH D030342.
Usher syndrome type 1F (USH1F). Also called: USHER SYNDROME, TYPE IF. Identifiers: Orphanet 231169, Orphanet 886, MedGen C1865885, MONDO:0011186, OMIM 602083.

Allele frequency attached by ClinVar (database versions not stated): gnomAD 0.00003; TOPMed 0.00006; ESP Exome Variant Server 0.00008; gnomAD exomes 0.00010; ExAC 0.00012.
gnomAD v4.1: 215 of 1,610,566 alleles (0.013%); highest among the groups gnomAD compares: Non-Finnish European, 0.017%; no homozygotes.

Submissions (6):

Blueprint Genetics
Classification: Uncertain significance. Last evaluated: 2024-10-15. Review status: criteria provided, single submitter. Criteria: ACMG Guidelines, 2015. Collection method: clinical testing. Allele origin: germline.

Labcorp Genetics (formerly Invitae), Labcorp
Classification: Uncertain significance. Last evaluated: 2024-01-19. Review status: criteria provided, single submitter. Criteria: Invitae Variant Classification Sherloc (09022015). Collection method: clinical testing. Allele origin: germline.
Comment: This sequence change replaces glycine, which is neutral and non-polar, with aspartic acid, which is acidic and polar, at codon 1174 of the PCDH15 protein (p.Gly1174Asp). This variant is present in population databases (rs150387187, gnomAD 0.02%). This variant has not been reported in the literature in individuals affected with PCDH15-related conditions. ClinVar contains an entry for this variant (Variation ID: 504665). Advanced modeling of protein sequence and biophysical properties (such as structural, functional, and spatial information, amino acid conservation, physicochemical variation, residue mobility, and thermodynamic stability) performed at Invitae indicates that this missense variant is expected to disrupt PCDH15 protein function with a positive predictive value of 80%. In summary, the available evidence is currently insufficient to determine the role of this variant in disease. Therefore, it has been classified as a Variant of Uncertain Significance.

Ambry Genetics
Classification: Uncertain significance for Inborn genetic diseases. Last evaluated: 2021-08-23. Review status: criteria provided, single submitter. Criteria: Ambry Variant Classification Scheme 2023. Collection method: clinical testing. Allele origin: germline.

GeneDx
Classification: Uncertain significance. Last evaluated: 2020-12-15. Review status: criteria provided, single submitter. Criteria: GeneDx Variant Classification Process June 2021. Collection method: clinical testing. Allele origin: germline. Affected: yes.
Comment: In silico analysis supports that this missense variant has a deleterious effect on protein structure/function; Has not been previously published as pathogenic or benign to our knowledge

Laboratory for Molecular Medicine, Mass General Brigham Personalized Medicine
Classification: Uncertain significance. Last evaluated: 2016-06-30. Review status: criteria provided, single submitter. Criteria: LMM Criteria. Collection method: clinical testing. Allele origin: germline. Observed: 1 variant allele.
Comment: The p.Gly1174Asp variant in PCDH15 has not been previously reported in individua ls with hearing loss, but has been identified in 15/66700 of European chromosome s by the Exome Aggregation Consortium (ExAC; dbS NP rs150387187). Although this variant has been seen in the general population, its frequency is not high enough to rule out a pathogenic role. Computational pr ediction tools and conservation analysis suggest that the p.Gly1174Asp variant m ay impact the protein, though this information is not predictive enough to deter mine pathogenicity. In summary, the clinical significance of the p.Gly1174Asp va riant is uncertain.

Natera, Inc.
Classification: Uncertain significance for Usher syndrome type 1F. Last evaluated: 2019-11-11. Review status: no assertion criteria provided. Collection method: clinical testing. Allele origin: germline. Not counted in ClinVar's aggregate classification.